The following is an entry in ClinVar:

ClinVar aggregate classification (germline): Likely benign. Review status: criteria provided, multiple submitters, no conflicts (2 of 4 stars). 2 submissions from 2 submitters: Likely benign (2). Last evaluated 2025-11-13.

Conditions:
TBXA2R-related disorder. Also called: TBXA2R-related condition.

Allele frequency attached by ClinVar (database versions not stated): gnomAD 0.00001; TOPMed 0.00003; gnomAD exomes 0.00005.

Submissions (2):

PreventionGenetics, part of Exact Sciences
Classification: Likely benign for TBXA2R-related condition. Last evaluated: 2025-11-13. Review status: criteria provided, single submitter. Criteria: ACMG Guidelines, 2015. Collection method: clinical testing. Allele origin: germline.
Comment: This variant is classified as likely benign based on ACMG/AMP sequence variant interpretation guidelines (Richards et al. 2015 PMID: 25741868, with internal and published modifications).

Labcorp Genetics (formerly Invitae), Labcorp
Classification: Likely benign. Last evaluated: 2025-03-26. Review status: criteria provided, single submitter. Criteria: Invitae Variant Classification Sherloc (09022015). Collection method: clinical testing. Allele origin: germline.

NM_001060.6(TBXA2R):c.669C>T (p.Cys223=)

Gene: TBXA2R (thromboxane A2 receptor; minus strand). Cytogenetic location: 19p13.3.
Variant type: single nucleotide variant.
Coding change: c.669C>T on transcript NM_001060.6 (MANE Select); coding-DNA position 669, C replaced by T.
Protein change: p.Cys223=; no amino-acid change (cysteine 223 retained).
Molecular consequence: synonymous variant.
Genome position (GRCh38, 1-based): chr19:3,599,966, G>A on the plus strand (C>T on the coding strand, the complement: TBXA2R is on the minus strand). VCF-style: chr19-3599966-G-A. GRCh37 (hg19) VCF-style: chr19-3599964-G-A.
Other names: c.669C>T (NM_201636.2); c.669C>T, p.Cys223= (NM_201636.3).
Identifiers: ClinVar variation 2188678 (VCV002188678.5), dbSNP rs200460580, ClinGen allele CA304368696.